The following is an entry in ClinVar:

ClinVar aggregate classification (germline): Benign. Review status: criteria provided, multiple submitters, no conflicts (2 of 4 stars). 3 submissions from 3 submitters: Benign (3). Last evaluated 2018-11-12.

Allele frequency attached by ClinVar (database versions not stated): gnomAD 0.41827 and 0.43047; 1000 Genomes Project 0.50459; TOPMed 0.42476; gnomAD exomes 0.44021 and 0.46601; ESP Exome Variant Server 0.41358; 1000 Genomes Project 30x 0.49719; ExAC 0.47004.
gnomAD v4.1: 708,742 of 1,613,692 alleles (44%); highest among the groups gnomAD compares: South Asian, 67%; 159,571 homozygotes.

Submissions (3):

GeneDx
Classification: Benign. Last evaluated: 2018-11-12. Review status: criteria provided, single submitter. Criteria: GeneDx Variant Classification Process June 2021. Collection method: clinical testing. Allele origin: germline. Affected: yes.
Comment: This variant is associated with the following publications: (PMID: 21310059, 22509983, 21934714, 22289856, 24111992, 15661913, 23577114, 12032263, 30013576)

Laboratory for Molecular Medicine, Mass General Brigham Personalized Medicine
Classification: Benign. Last evaluated: 2015-08-06. Review status: criteria provided, single submitter. Criteria: LMM Criteria. Collection method: clinical testing. Allele origin: germline. Observed: 83 variant alleles.
Comment: p.Met31Thr in exon 02 of SFTPD: This variant is not expected to have clinical si gnificance because it has been identified in 67% (11088/16508) of South Asian ch romosomes by the Exome Aggregation Consortium (ExAC. org; dbSNP rs721917).

Breakthrough Genomics
Classification: Benign. Review status: criteria provided, single submitter. Criteria: ACMG Guidelines, 2015. Collection method: not provided. Allele origin: germline. Inheritance: Unknown mechanism. Affected: yes.

NM_003019.5(SFTPD):c.92T>C (p.Met31Thr)

Gene: SFTPD (surfactant protein D; minus strand). Cytogenetic location: 10q22.3.
Variant type: single nucleotide variant.
Coding change: c.92T>C on transcript NM_003019.5 (MANE Select); coding-DNA position 92, T replaced by C.
Protein change: p.Met31Thr; replaces methionine 31 with threonine.
Molecular consequence: missense variant.
Genome position (GRCh38, 1-based): chr10:79,946,568, A>G on the plus strand (T>C on the coding strand, the complement: SFTPD is on the minus strand). VCF-style: chr10-79946568-A-G. GRCh37 (hg19) VCF-style: chr10-81706324-A-G.
Other names: short protein forms M31T.
Identifiers: ClinVar variation 165219 (VCV000165219.7), dbSNP rs721917, ClinGen allele CA177970.
Genomic context (GRCh38, chr10:79,946,568, plus strand): 5'-TCGCGACCAGGCAGGCCACTCTCCACTGAGCTACACATGACCAGGGTGCAAGCACTGGGC[A>G]TTGTTCTGTGGGAGTAGGTCTTCATTTCTGCTTCCAGGTAGCCCAGGGGCTGTGTGAGCA-3'
Protein context (NP_003010.4, residues 21-41): AEMKTYSHRT[Met31Thr]PSACTLVMCS